The following is an entry in ClinVar:

NM_005609.4(PYGM):c.2177+1G>A

Gene: PYGM (glycogen phosphorylase, muscle associated; minus strand). Cytogenetic location: 11q13.1.
Variant type: single nucleotide variant.
Coding change: c.2177+1G>A on transcript NM_005609.4 (MANE Select); the canonical splice donor site of the intron after coding-DNA position 2177, G replaced by A.
Molecular consequence: splice donor variant.
Genome position (GRCh38, 1-based): chr11:64,750,375, C>T on the plus strand (G>A on the coding strand, the complement: PYGM is on the minus strand). VCF-style: chr11-64750375-C-T. GRCh37 (hg19) VCF-style: chr11-64517847-C-T.
Other names: c.2177+1G>A (NM_005609.3); c.1913+1G>A (NM_001164716.1).
Identifiers: ClinVar variation 1467892 (VCV001467892.13), dbSNP rs751875471, ClinGen allele CA6079625.

ClinVar aggregate classification (germline): Likely pathogenic. Review status: criteria provided, multiple submitters, no conflicts (2 of 4 stars). 6 submissions from 6 submitters: Likely pathogenic (6). Last evaluated 2026-01-20.

Conditions:
Glycogen storage disease, type V (GSD5). Also called: MCARDLE DISEASE; MUSCLE GLYCOGEN PHOSPHORYLASE DEFICIENCY; MYOPHOSPHORYLASE DEFICIENCY; PYGM DEFICIENCY; McArdle type glycogen storage disease. Identifiers: Orphanet 368, MedGen C0017924, MONDO:0009293, OMIM 232600.

Allele frequency attached by ClinVar (database versions not stated): ExAC 0.00002.
gnomAD v4.1: 5 of 1,614,066 alleles (0.00031%); highest among the groups gnomAD compares: East Asian, 0.0045%; no homozygotes.

Submissions (6):

Natera, Inc.
Classification: Likely pathogenic for Glycogen storage disease V. Last evaluated: 2026-01-20. Review status: criteria provided, single submitter. Criteria: Natera Variant Classification Schema (03/2026). Collection method: clinical testing. Allele origin: germline.
Comment: The c.2177+1G>A variant in PYGM is a canonical splice donor site variant predicted to affect pre-mRNA splicing, which may result in an abnormal transcript and altered protein product. This variant is expected to result in nonsense mediated decay, truncation, or a dysfunctional protein product. This variant is rare in the general population with a frequency below the threshold expected for the associated phenotype(s). Given the available evidence, this variant is classified as Likely Pathogenic.

Myriad Genetics, Inc.
Classification: Likely pathogenic for Glycogen storage disease, type V. Last evaluated: 2025-07-28. Review status: criteria provided, single submitter. Criteria: Myriad Autosomal Dominant, Autosomal Recessive and X-Linked Classification Criteria (2023). Collection method: clinical testing. Allele origin: unknown.
Comment: NM_005609.2(PYGM):c.2177+1G>A is a variant in a canonical splice site classified as likely pathogenic in the context of glycogen storage disease, PYGM-related. c.2177+1G>A has been observed in a case with relevant disease (PMID: 33234167). Relevant functional assessments of this variant are not available in the literature. c.2177+1G>A has been observed in referenced population frequency databases. In summary, NM_005609.2(PYGM):c.2177+1G>A is a variant in a canonical splice site in a gene where loss of function is a known mechanism of disease and is predicted to disrupt protein function. Please note: this variant was assessed in the context of healthy population screening.

Fulgent Genetics
Classification: Likely pathogenic for Glycogen storage disease, type V. Last evaluated: 2024-03-06. Review status: criteria provided, single submitter. Criteria: ACMG Guidelines, 2015. Collection method: clinical testing. Allele origin: germline.

Baylor Genetics
Classification: Likely pathogenic for Glycogen storage disease, type V. Last evaluated: 2024-02-06. Review status: criteria provided, single submitter. Criteria: ACMG Guidelines, 2015. Collection method: clinical testing. Allele origin: unknown.

Department of Pathology and Laboratory Medicine, Sinai Health System
Classification: Likely pathogenic for Glycogen storage disease, type V. Last evaluated: 2023-10-20. Review status: criteria provided, single submitter. Criteria: ACMG Guidelines, 2015. Collection method: research. Allele origin: germline.

Labcorp Genetics (formerly Invitae), Labcorp
Classification: Likely pathogenic for Glycogen storage disease, type V. Last evaluated: 2023-09-18. Review status: criteria provided, single submitter. Criteria: Invitae Variant Classification Sherloc (09022015). Collection method: clinical testing. Allele origin: germline.
Comment: In summary, the currently available evidence indicates that the variant is pathogenic, but additional data are needed to prove that conclusively. Therefore, this variant has been classified as Likely Pathogenic. Algorithms developed to predict the effect of sequence changes on RNA splicing suggest that this variant may disrupt the consensus splice site. ClinVar contains an entry for this variant (Variation ID: 1467892). This variant has not been reported in the literature in individuals affected with PYGM-related conditions. This variant is present in population databases (rs751875471, gnomAD 0.01%). This sequence change affects a donor splice site in intron 17 of the PYGM gene. It is expected to disrupt RNA splicing. Variants that disrupt the donor or acceptor splice site typically lead to a loss of protein function (PMID: 16199547), and loss-of-function variants in PYGM are known to be pathogenic (PMID: 8316268, 16786513).

Literature cited by the submitters: PubMed 33234167 (cited by Myriad Genetics, Inc.); PubMed 16199547 (cited by Labcorp Genetics (formerly Invitae), Labcorp); PubMed 8316268 (cited by Labcorp Genetics (formerly Invitae), Labcorp); PubMed 16786513 (cited by Labcorp Genetics (formerly Invitae), Labcorp).